The following is an entry in ClinVar:

ClinVar aggregate classification (germline): Likely pathogenic. Review status: criteria provided, multiple submitters, no conflicts (2 of 4 stars). 2 submissions from 2 submitters: Likely pathogenic (2). Last evaluated 2026-06-26.

Conditions:
COL4A5-related disorder. Also called: COL4A5-related condition.
X-linked Alport syndrome (ATS1). Also called: COL4A5-Related Nephropathy; NEPHROPATHY AND DEAFNESS, X-LINKED. Identifiers: Orphanet 63, Orphanet 88917, MedGen C4746986, MONDO:0010520, OMIM 301050.

Submissions (2):

PreventionGenetics, part of Exact Sciences
Classification: Likely pathogenic for COL4A5-related condition. Last evaluated: 2026-06-26. Review status: criteria provided, single submitter. Criteria: ACMG Guidelines, 2015. Collection method: clinical testing. Allele origin: germline.
Comment: The COL4A5 c.4153G>A variant is predicted to result in the amino acid substitution p.Gly1385Arg. The p.Gly1385 residue resides in the triple-helical region (residues 42 – 1456) of the COL4A5 protein, where substitutions of the glycine (Gly) residue are usually pathogenic (Hudson et al. 1993. PubMed ID: 8253711). To our knowledge, this variant has not been reported in the literature or in a large population database (gnomAD), indicating this variant is rare. However, different substitutions at the same codon have been reported in individuals with COL4A5-related Alport syndrome spectrum disorders (p.Gly1385Glu in Table S3 of Di et al. 2022. PubMed ID: 35020912; p.Gly1385Val in Table S6 of Yuan et al. 2023. PubMed ID: 36130833). This variant is interpreted as likely pathogenic for COL4A5-related Alport syndrome spectrum disorders.

Fulgent Genetics
Classification: Likely pathogenic for X-linked Alport syndrome. Last evaluated: 2023-12-29. Review status: criteria provided, single submitter. Criteria: ACMG Guidelines, 2015. Collection method: clinical testing. Allele origin: germline.

NM_033380.3(COL4A5):c.4171G>A (p.Gly1391Arg)

Gene: COL4A5 (collagen type IV alpha 5 chain; plus strand). Cytogenetic location: Xq22.3.
Variant type: single nucleotide variant.
Coding change: c.4171G>A on transcript NM_033380.3 (MANE Select); coding-DNA position 4171, G replaced by A.
Protein change: p.Gly1391Arg; replaces glycine 1391 with arginine.
Molecular consequence: missense variant.
Genome position (GRCh38, 1-based): chrX:108,681,843, G>A. VCF-style: chrX-108681843-G-A. GRCh37 (hg19) VCF-style: chrX-107925073-G-A.
Other names: c.4153G>A, p.Gly1385Arg (NM_000495.5); c.4153G>A (NM_000495.4); short protein forms G1391R, G1385R.
Identifiers: ClinVar variation 3597976 (VCV003597976.2).
Genomic context (GRCh38, chrX:108,681,843, plus strand): 5'-TCAGGACAGAGTATCATAATTAAAGGAGATGCTGGTCCTCCAGGAATCCCTGGCCAGCCT[G>A]GGCTAAAGGGTCTACCAGGACCCCAAGGACCTCAAGGCTTACCAGGTACCAATGCAGATC-3'
Protein context (NP_203699.1, residues 1381-1401): AGPPGIPGQP[Gly1391Arg]LKGLPGPQGP